The following is an entry in ClinVar:

ClinVar aggregate classification (germline): Uncertain significance (1 of 4 stars; one submission).

gnomAD v4.1: 2 of 1,610,022 alleles (0.00012%); highest among the groups gnomAD compares: Non-Finnish European, 0.00017%; no homozygotes.

Submission:

Labcorp Genetics (formerly Invitae), Labcorp
Classification: Uncertain significance. Last evaluated: 2024-10-24. Review status: criteria provided, single submitter. Criteria: Invitae Variant Classification Sherloc (09022015). Collection method: clinical testing. Allele origin: germline.
Comment: This sequence change replaces leucine, which is neutral and non-polar, with valine, which is neutral and non-polar, at codon 24 of the KIDINS220 protein (p.Leu24Val). This variant is not present in population databases (gnomAD no frequency). This variant has not been reported in the literature in individuals affected with KIDINS220-related conditions. An algorithm developed to predict the effect of missense changes on protein structure and function (PolyPhen-2) suggests that this variant is likely to be tolerated. In summary, the available evidence is currently insufficient to determine the role of this variant in disease. Therefore, it has been classified as a Variant of Uncertain Significance.

NM_020738.4(KIDINS220):c.70C>G (p.Leu24Val)

Gene: KIDINS220 (kinase D interacting substrate 220; minus strand). Cytogenetic location: 2p25.1.
Variant type: single nucleotide variant.
Coding change: c.70C>G on transcript NM_020738.4 (MANE Select); coding-DNA position 70, C replaced by G.
Protein change: p.Leu24Val; replaces leucine 24 with valine.
Molecular consequence: missense variant. On other transcripts: 5 prime UTR variant (1), non-coding transcript variant (2).
Genome position (GRCh38, 1-based): chr2:8,827,024, G>C on the plus strand (C>G on the coding strand, the complement: KIDINS220 is on the minus strand). VCF-style: chr2-8827024-G-C. GRCh37 (hg19) VCF-style: chr2-8967154-G-C.
Other names: c.70C>G, p.Leu24Val (NM_001348729.2, NM_001348731.2, NM_001348732.2 and 9 more transcripts); c.-228C>G (NM_001348736.2); short protein forms L24V.
Identifiers: ClinVar variation 2832577 (VCV002832577.3), dbSNP rs758351945, ClinGen allele CA345775411.